The following is an entry in ClinVar:

NM_006231.4(POLE):c.1288G>C (p.Ala430Pro)

Gene: POLE (DNA polymerase epsilon, catalytic subunit; minus strand). Cytogenetic location: 12q24.33.
Variant type: single nucleotide variant.
Coding change: c.1288G>C on transcript NM_006231.4 (MANE Select); coding-DNA position 1288, G replaced by C.
Protein change: p.Ala430Pro; replaces alanine 430 with proline.
Molecular consequence: missense variant.
Genome position (GRCh38, 1-based): chr12:132,673,646, C>G on the plus strand (G>C on the coding strand, the complement: POLE is on the minus strand). VCF-style: chr12-132673646-C-G. GRCh37 (hg19) VCF-style: chr12-133250232-C-G.
Other names: short protein forms A430P.
Identifiers: ClinVar variation 1769025 (VCV001769025.2), dbSNP rs140566004, ClinGen allele CA387359471.

ClinVar aggregate classification (germline): Uncertain significance (1 of 4 stars; one submission).

Conditions:
Hereditary cancer-predisposing syndrome. Also called: Hereditary Cancer Syndrome; Hereditary neoplastic syndrome; Neoplastic Syndromes, Hereditary; Tumor predisposition. Identifiers: Orphanet 140162, MedGen C0027672, MeSH D009386, MONDO:0015356.

gnomAD v4.1: 1 of 1,614,000 alleles (0.000062%); no homozygotes.

Submission:

Ambry Genetics
Classification: Uncertain significance for Hereditary cancer-predisposing syndrome. Last evaluated: 2021-11-05. Review status: criteria provided, single submitter. Criteria: Ambry Variant Classification Scheme 2023. Collection method: clinical testing. Allele origin: germline.
Comment: The p.A430P variant (also known as c.1288G>C), located in coding exon 13 of the POLE gene, results from a G to C substitution at nucleotide position 1288. The alanine at codon 430 is replaced by proline, an amino acid with highly similar properties. This amino acid position is conserved. In addition, the in silico prediction for this alteration is inconclusive. Since supporting evidence is limited at this time, the clinical significance of this alteration remains unclear.